The following is an entry in ClinVar:

ClinVar aggregate classification (germline): Uncertain significance (1 of 4 stars; one submission).

Conditions:
T-B+ severe combined immunodeficiency due to JAK3 deficiency. Also called: SCID, autosomal recessive, T-negative/B-positive type; SCID, T CELL-NEGATIVE, B CELL-POSITIVE, NK CELL-NEGATIVE. Identifiers: Orphanet 35078, MedGen C1833275, MONDO:0010938, OMIM 600802.

Submission:

Labcorp Genetics (formerly Invitae), Labcorp
Classification: Uncertain significance for T-B+ severe combined immunodeficiency due to JAK3 deficiency. Last evaluated: 2024-02-17. Review status: criteria provided, single submitter. Criteria: Invitae Variant Classification Sherloc (09022015). Collection method: clinical testing. Allele origin: germline.
Comment: This sequence change replaces leucine, which is neutral and non-polar, with valine, which is neutral and non-polar, at codon 844 of the JAK3 protein (p.Leu844Val). This variant is not present in population databases (gnomAD no frequency). This variant has not been reported in the literature in individuals affected with JAK3-related conditions. ClinVar contains an entry for this variant (Variation ID: 1492841). Advanced modeling of protein sequence and biophysical properties (such as structural, functional, and spatial information, amino acid conservation, physicochemical variation, residue mobility, and thermodynamic stability) has been performed at Invitae for this missense variant, however the output from this modeling did not meet the statistical confidence thresholds required to predict the impact of this variant on JAK3 protein function. In summary, the available evidence is currently insufficient to determine the role of this variant in disease. Therefore, it has been classified as a Variant of Uncertain Significance.

NM_000215.4(JAK3):c.2530C>G (p.Leu844Val)

Gene: JAK3 (Janus kinase 3; minus strand). Cytogenetic location: 19p13.11.
Variant type: single nucleotide variant.
Coding change: c.2530C>G on transcript NM_000215.4 (MANE Select); coding-DNA position 2530, C replaced by G.
Protein change: p.Leu844Val; replaces leucine 844 with valine.
Molecular consequence: missense variant.
Genome position (GRCh38, 1-based): chr19:17,832,669, G>C on the plus strand (C>G on the coding strand, the complement: JAK3 is on the minus strand). VCF-style: chr19-17832669-G-C. GRCh37 (hg19) VCF-style: chr19-17943478-G-C.
Other names: short protein forms L844V.
Identifiers: ClinVar variation 1492841 (VCV001492841.7), dbSNP rs2147678424, ClinGen allele CA404766469.